The following is an entry in ClinVar:

ClinVar aggregate classification (germline): Conflicting classifications of pathogenicity. Review status: criteria provided, conflicting classifications (1 of 4 stars). 5 submissions from 5 submitters: Uncertain significance (4); Likely benign (1). Last evaluated 2026-01-23.

Conditions:
COL11A2-related disorder. Also called: COL11A2-related condition; COL11A2-related disorders.
Inborn genetic diseases. Identifiers: MedGen C0950123, MeSH D030342.

Allele frequency attached by ClinVar (database versions not stated): gnomAD exomes 0.00005; TOPMed 0.00006; gnomAD 0.00007 and 0.00008; ExAC 0.00013.
gnomAD v4.1: 80 of 1,568,910 alleles (0.0051%); highest among the groups gnomAD compares: Admixed American, 0.0076%; 1 homozygote.

Submissions (5):

GeneDx
Classification: Uncertain significance. Last evaluated: 2026-01-23. Review status: criteria provided, single submitter. Criteria: GeneDx Variant Classification Process June 2021. Collection method: clinical testing. Allele origin: germline. Affected: yes.
Comment: In silico analysis supports that this missense variant has a deleterious effect on protein structure/function; Occurs in the triple helical domain at the X position in the canonical Gly-X-Y repeat; although this variant may have an effect on normal protein folding and function, missense substitution at the X position is not a common mechanism of disease; This variant is associated with the following publications: (PMID: 26566670)

Labcorp Genetics (formerly Invitae), Labcorp
Classification: Likely benign. Last evaluated: 2025-12-09. Review status: criteria provided, single submitter. Criteria: Invitae Variant Classification Sherloc (09022015). Collection method: clinical testing. Allele origin: germline.

PreventionGenetics, part of Exact Sciences
Classification: Uncertain significance for COL11A2-related condition. Last evaluated: 2024-12-10. Review status: criteria provided, single submitter. Criteria: ACMG Guidelines, 2015. Collection method: clinical testing. Allele origin: germline.
Comment: The COL11A2 c.1489C>T variant is predicted to result in the amino acid substitution p.Arg497Cys. This variant has been reported in both affected and control individuals in an adolescent idiopathic scoliosis case-control study (Table S4, Haller et al. 2016. PubMed ID: 26566670). This variant is reported in 0.011% of alleles in individuals of Latino descent in gnomAD. At this time, the clinical significance of this variant is uncertain due to the absence of conclusive functional and genetic evidence.

Ambry Genetics
Classification: Uncertain significance for Inborn genetic diseases. Last evaluated: 2022-08-02. Review status: criteria provided, single submitter. Criteria: Ambry Variant Classification Scheme 2023. Collection method: clinical testing. Allele origin: germline.

Laboratory for Molecular Medicine, Mass General Brigham Personalized Medicine
Classification: Uncertain significance. Last evaluated: 2015-09-18. Review status: criteria provided, single submitter. Criteria: LMM Criteria. Collection method: clinical testing. Allele origin: germline. Observed: 1 variant allele.
Comment: The p.Arg497Cys variant in COL11A2 has not been previously reported in individua ls with hearing loss, but has been identified in 0.3% (2/658) Latino chromosomes and in 1/2354 African chromosomes by the Exome Aggregation Consortium (ExAC). Although this variant has been seen in the genera l population, its frequency is not high enough to rule out a pathogenic role. Co mputational prediction tools and conservation analysis do not provide strong sup port for or against an impact to the protein. In summary, the clinical significa nce of the p.Arg497Cys variant is uncertain.

NM_080680.3(COL11A2):c.1489C>T (p.Arg497Cys)

Gene: COL11A2 (collagen type XI alpha 2 chain; minus strand). Cytogenetic location: 6p21.32.
Variant type: single nucleotide variant.
Coding change: c.1489C>T on transcript NM_080680.3 (MANE Select); coding-DNA position 1489, C replaced by T.
Protein change: p.Arg497Cys; replaces arginine 497 with cysteine.
Molecular consequence: missense variant.
Genome position (GRCh38, 1-based): chr6:33,179,445, G>A on the plus strand (C>T on the coding strand, the complement: COL11A2 is on the minus strand). VCF-style: chr6-33179445-G-A. GRCh37 (hg19) VCF-style: chr6-33147222-G-A.
Other names: c.1168C>T, p.Arg390Cys (NM_080679.3); c.1231C>T, p.Arg411Cys (NM_080681.3); short protein forms R497C, R411C, R390C.
Identifiers: ClinVar variation 228528 (VCV000228528.17), dbSNP rs752552097, ClinGen allele CA3751339.